The following is an entry in ClinVar:

NM_181783.4(TMTC3):c.324C>T (p.Leu108=)

Gene: TMTC3 (transmembrane O-mannosyltransferase targeting cadherins 3; plus strand). Cytogenetic location: 12q21.32.
Variant type: single nucleotide variant.
Coding change: c.324C>T on transcript NM_181783.4 (MANE Select); coding-DNA position 324, C replaced by T.
Protein change: p.Leu108=; no amino-acid change (leucine 108 retained).
Molecular consequence: synonymous variant. On other transcripts: non-coding transcript variant (1), intron variant (2).
Genome position (GRCh38, 1-based): chr12:88,153,425, C>T. VCF-style: chr12-88153425-C-T. GRCh37 (hg19) VCF-style: chr12-88547202-C-T.
Other names: c.144C>T, p.Leu48= (NM_001366574.1); c.57C>T, p.Leu19= (NM_001366580.1); c.190-863C>T (NM_001366579.1); c.-285-863C>T (NM_001366583.1).
Identifiers: ClinVar variation 749311 (VCV000749311.5), dbSNP rs138626268, ClinGen allele CA6713014.

ClinVar aggregate classification (germline): Likely benign. Review status: criteria provided, single submitter (1 of 4 stars). 2 submissions from 2 submitters: Likely benign (1). 1 of the submissions does not count toward it. Last evaluated 2018-06-06.

Conditions:
TMTC3-related disorder. Also called: TMTC3-related condition.

Allele frequency attached by ClinVar (database versions not stated): gnomAD 0.00001; TOPMed 0.00001; ExAC 0.00002; gnomAD exomes 0.00002; ESP Exome Variant Server 0.00008.
gnomAD v4.1: 29 of 1,613,590 alleles (0.0018%); highest among the groups gnomAD compares: Middle Eastern, 0.05%; 1 homozygote.

Submissions (2):

Labcorp Genetics (formerly Invitae), Labcorp
Classification: Likely benign. Last evaluated: 2018-06-06. Review status: criteria provided, single submitter. Criteria: Invitae Variant Classification Sherloc (09022015). Collection method: clinical testing. Allele origin: germline.

PreventionGenetics, part of Exact Sciences
Classification: Likely benign for TMTC3-related condition. Last evaluated: 2019-06-11. Review status: no assertion criteria provided. Collection method: clinical testing. Allele origin: germline. Not counted in ClinVar's aggregate classification.
Comment: This variant is classified as likely benign based on ACMG/AMP sequence variant interpretation guidelines (Richards et al. 2015 PMID: 25741868, with internal and published modifications).